The following is an entry in ClinVar:

ClinVar aggregate classification (germline): Uncertain significance. Review status: criteria provided, multiple submitters, no conflicts (2 of 4 stars). 2 submissions from 2 submitters: Uncertain significance (2). Last evaluated 2025-03-01.

gnomAD v4.1: 6 of 1,611,278 alleles (0.00037%); highest among the groups gnomAD compares: South Asian, 0.0033%; no homozygotes.

Submissions (2):

CeGaT Center for Human Genetics Tuebingen
Classification: Uncertain significance. Last evaluated: 2025-03-01. Review status: criteria provided, single submitter. Criteria: CeGaT Center For Human Genetics Tuebingen Variant Classification Criteria Version 2. Collection method: clinical testing. Allele origin: germline. Affected: yes. Observed: 1 variant allele.
Comment: PRPF4: PM2

Blueprint Genetics
Classification: Uncertain significance. Last evaluated: 2024-11-05. Review status: criteria provided, single submitter. Criteria: ACMG Guidelines, 2015. Collection method: clinical testing. Allele origin: germline.

NM_001244926.2(PRPF4):c.799A>G (p.Thr267Ala)

Gene: PRPF4 (pre-mRNA splicing tri-snRNP complex factor PRPF4; plus strand). Cytogenetic location: 9q32.
Variant type: single nucleotide variant.
Coding change: c.799A>G on transcript NM_001244926.2 (MANE Select); coding-DNA position 799, A replaced by G.
Protein change: p.Thr267Ala; replaces threonine 267 with alanine.
Molecular consequence: missense variant. On other transcripts: non-coding transcript variant (2).
Genome position (GRCh38, 1-based): chr9:113,286,281, A>G. VCF-style: chr9-113286281-A-G. GRCh37 (hg19) VCF-style: chr9-116048561-A-G.
Other names: c.73A>G, p.Thr25Ala (NM_001322266.2, NM_001322267.2); c.802A>G, p.Thr268Ala (NM_004697.5); short protein forms T25A, T267A, T268A.
Identifiers: ClinVar variation 3778267 (VCV003778267.8).